The following is an entry in ClinVar:

NM_000440.3(PDE6A):c.1263+1G>T

Gene: PDE6A (phosphodiesterase 6A; minus strand). Cytogenetic location: 5q32.
Variant type: single nucleotide variant.
Coding change: c.1263+1G>T on transcript NM_000440.3 (MANE Select); the canonical splice donor site of the intron after coding-DNA position 1263, G replaced by T.
Molecular consequence: splice donor variant.
Genome position (GRCh38, 1-based): chr5:149,899,374, C>A on the plus strand (G>T on the coding strand, the complement: PDE6A is on the minus strand). VCF-style: chr5-149899374-C-A. GRCh37 (hg19) VCF-style: chr5-149278937-C-A.
Other names: c.1020+1G>T (NM_001410788.1).
Identifiers: ClinVar variation 866165 (VCV000866165.13), dbSNP rs369896113, ClinGen allele CA3504750.
Genomic context (GRCh38, chr5:149,899,374, plus strand): 5'-AGCCTCCCCCAGCAAGCTGACTCTGAATCCCAACAGCAAAAGGCCTCCTAGCAAGCCATA[C>A]CTCCATGAGCGTCTCATCCATTTCATCAAAGGGCTTCCCATCTTTACGATTGTAAAATGT-3'

ClinVar aggregate classification (germline): Pathogenic/Likely pathogenic. Review status: criteria provided, multiple submitters, no conflicts (2 of 4 stars). 4 submissions from 4 submitters: Pathogenic (2); Likely pathogenic (2). Last evaluated 2026-03-26.

Conditions:
PDE6A-related disorder. Also called: PDE6A-related condition.

Allele frequency attached by ClinVar (database versions not stated): gnomAD exomes below 0.00001; ExAC 0.00001; TOPMed 0.00005; ESP Exome Variant Server 0.00008.
gnomAD v4.1: 14 of 1,614,032 alleles (0.00087%); highest among the groups gnomAD compares: African/African-American, 0.013%; no homozygotes.

Submissions (4):

PreventionGenetics, part of Exact Sciences
Classification: Pathogenic for PDE6A-related condition. Last evaluated: 2026-03-26. Review status: criteria provided, single submitter. Criteria: ACMG Guidelines, 2015. Collection method: clinical testing. Allele origin: germline.
Comment: The PDE6A c.1263+1G>T variant is predicted to disrupt the GT donor site and interfere with normal splicing. This variant has been reported in the compound heterozygous state in an individual with retinitis pigmentosa (Kuehlewein et al. 2020. PubMed ID: 33057649). This variant is present in 0.016% of alleles in individuals of African descent in gnomAD. Variants that disrupt the consensus splice donor site in PDE6A are an established mechanism of disease. This variant is interpreted as pathogenic.

Labcorp Genetics (formerly Invitae), Labcorp
Classification: Pathogenic. Last evaluated: 2025-02-03. Review status: criteria provided, single submitter. Criteria: Invitae Variant Classification Sherloc (09022015). Collection method: clinical testing. Allele origin: germline.
Comment: This sequence change affects a donor splice site in intron 9 of the PDE6A gene. It is expected to disrupt RNA splicing. Variants that disrupt the donor or acceptor splice site typically lead to a loss of protein function (PMID: 16199547), and loss-of-function variants in PDE6A are known to be pathogenic (PMID: 7493036, 22128245, 23847139). This variant is present in population databases (rs369896113, gnomAD 0.02%). Disruption of this splice site has been observed in individual(s) with retinitis pigmentosa (PMID: 33057649). In at least one individual the data is consistent with being in trans (on the opposite chromosome) from a pathogenic variant. ClinVar contains an entry for this variant (Variation ID: 866165). Algorithms developed to predict the effect of sequence changes on RNA splicing suggest that this variant may disrupt the consensus splice site. For these reasons, this variant has been classified as Pathogenic.

GeneDx
Classification: Likely pathogenic. Last evaluated: 2023-04-10. Review status: criteria provided, single submitter. Criteria: GeneDx Variant Classification Process June 2021. Collection method: clinical testing. Allele origin: germline. Affected: yes.
Comment: Canonical splice site variant expected to result in aberrant splicing, although in the absence of functional evidence the actual effect of this sequence change is unknown.; This variant is associated with the following publications: (PMID: 31964843, 35533076, 33057649)

Blueprint Genetics
Classification: Likely pathogenic for PDE6A-related disorders. Last evaluated: 2018-08-10. Review status: criteria provided, single submitter. Criteria: ACMG Guidelines, 2015. Collection method: clinical testing. Allele origin: germline. Affected: yes. Observed: 1 variant allele.

Literature cited by the submitters: PubMed 16199547 (cited by Labcorp Genetics (formerly Invitae), Labcorp); PubMed 7493036 (cited by Labcorp Genetics (formerly Invitae), Labcorp); PubMed 22128245 (cited by Labcorp Genetics (formerly Invitae), Labcorp); PubMed 23847139 (cited by Labcorp Genetics (formerly Invitae), Labcorp); PubMed 33057649 (cited by Labcorp Genetics (formerly Invitae), Labcorp).